The following is an entry in ClinVar:

NM_001004482.1(OR13C5):c.246A>T (p.Leu82=)

Gene: OR13C5 (olfactory receptor family 13 subfamily C member 5; minus strand). Cytogenetic location: 9q31.1.
Variant type: single nucleotide variant.
Coding change: c.246A>T on transcript NM_001004482.1 (MANE Select); coding-DNA position 246, A replaced by T.
Protein change: p.Leu82=; no amino-acid change (leucine 82 retained).
Molecular consequence: synonymous variant.
Genome position (GRCh38, 1-based): chr9:104,599,168, T>A on the plus strand (A>T on the coding strand, the complement: OR13C5 is on the minus strand). VCF-style: chr9-104599168-T-A. GRCh37 (hg19) VCF-style: chr9-107361449-T-A.
Identifiers: ClinVar variation 3388711 (VCV003388711.14).
Genomic context (GRCh38, chr9:104,599,168, plus strand): 5'-GAACATCTGCACTGCACAGCCAGAAAGGGAAATGGTCTTTCTTTCTGAAAGGAAGCTCAC[T>A]AGCGTGGAGGGAATAGAGGTGGTGGTGTAGCAGATGTCCAAGAAGGAGAGGTTCCCCAGA-3'
Protein context (NP_001004482.1, residues 72-92): CYTTTSIPST[Leu82=]VSFLSERKTI

ClinVar aggregate classification (germline): Likely benign (1 of 4 stars; one submission).

Submission:

CeGaT Center for Human Genetics Tuebingen
Classification: Likely benign. Last evaluated: 2026-02-01. Review status: criteria provided, single submitter. Criteria: CeGaT Center For Human Genetics Tuebingen Variant Classification Criteria Version 2. Collection method: clinical testing. Allele origin: germline. Affected: yes. Observed: 3 variant alleles.
Comment: OR13C5: BP4, BP7